The following is an entry in ClinVar:

ClinVar aggregate classification (germline): Uncertain significance (1 of 4 stars; one submission).

Allele frequency attached by ClinVar (database versions not stated): ExAC 0.00001; gnomAD exomes 0.00001; gnomAD 0.00002; TOPMed 0.00002; 1000 Genomes Project 30x 0.00016.
gnomAD v4.1: 24 of 1,613,918 alleles (0.0015%); highest among the groups gnomAD compares: South Asian, 0.0055%; no homozygotes.

Submission:

Labcorp Genetics (formerly Invitae), Labcorp
Classification: Uncertain significance. Last evaluated: 2025-02-27. Review status: criteria provided, single submitter. Criteria: Invitae Variant Classification Sherloc (09022015). Collection method: clinical testing. Allele origin: germline.
Comment: This sequence change replaces arginine, which is basic and polar, with cysteine, which is neutral and slightly polar, at codon 930 of the CACNA1D protein (p.Arg930Cys). This variant is present in population databases (rs751464393, gnomAD 0.04%). This variant has not been reported in the literature in individuals affected with CACNA1D-related conditions. ClinVar contains an entry for this variant (Variation ID: 2192230). Invitae Evidence Modeling of protein sequence and biophysical properties (such as structural, functional, and spatial information, amino acid conservation, physicochemical variation, residue mobility, and thermodynamic stability) indicates that this missense variant is not expected to disrupt CACNA1D protein function with a negative predictive value of 80%. In summary, the available evidence is currently insufficient to determine the role of this variant in disease. Therefore, it has been classified as a Variant of Uncertain Significance.

NM_001128840.3(CACNA1D):c.2728C>T (p.Arg910Cys)

Gene: CACNA1D (calcium voltage-gated channel subunit alpha1 D; plus strand). Cytogenetic location: 3p21.1.
Variant type: single nucleotide variant.
Coding change: c.2728C>T on transcript NM_001128840.3 (MANE Select); coding-DNA position 2728, C replaced by T.
Protein change: p.Arg910Cys; replaces arginine 910 with cysteine.
Molecular consequence: missense variant.
Genome position (GRCh38, 1-based): chr3:53,735,480, C>T. VCF-style: chr3-53735480-C-T. GRCh37 (hg19) VCF-style: chr3-53769507-C-T.
Other names: c.2788C>T, p.Arg930Cys (NM_000720.4); c.2728C>T, p.Arg910Cys (NM_001128839.3); short protein forms R910C, R930C.
Identifiers: ClinVar variation 2192230 (VCV002192230.4), dbSNP rs751464393, ClinGen allele CA2454327.